The following is an entry in ClinVar:

NM_004958.4(MTOR):c.2018A>G (p.Tyr673Cys)

Gene: MTOR (mechanistic target of rapamycin kinase; minus strand). Cytogenetic location: 1p36.22.
Variant type: single nucleotide variant.
Coding change: c.2018A>G on transcript NM_004958.4 (MANE Select); coding-DNA position 2018, A replaced by G.
Protein change: p.Tyr673Cys; replaces tyrosine 673 with cysteine.
Molecular consequence: missense variant.
Genome position (GRCh38, 1-based): chr1:11,238,033, T>C on the plus strand (A>G on the coding strand, the complement: MTOR is on the minus strand). VCF-style: chr1-11238033-T-C. GRCh37 (hg19) VCF-style: chr1-11298090-T-C.
Other names: c.2018A>G, p.Tyr673Cys (NM_001386500.1); c.770A>G, p.Tyr257Cys (NM_001386501.1); short protein forms Y257C, Y673C.
Identifiers: ClinVar variation 2767104 (VCV002767104.3), dbSNP rs1411760431, ClinGen allele CA338388312.

ClinVar aggregate classification (germline): Uncertain significance (1 of 4 stars; one submission).

Allele frequency attached by ClinVar (database versions not stated): gnomAD exomes below 0.00001.
gnomAD v4.1: 1 of 1,614,184 alleles (0.000062%); highest among the groups gnomAD compares: Non-Finnish European, 0.000085%; no homozygotes.

Submission:

Labcorp Genetics (formerly Invitae), Labcorp
Classification: Uncertain significance. Last evaluated: 2023-12-19. Review status: criteria provided, single submitter. Criteria: Invitae Variant Classification Sherloc (09022015). Collection method: clinical testing. Allele origin: germline.
Comment: This sequence change replaces tyrosine, which is neutral and polar, with cysteine, which is neutral and slightly polar, at codon 673 of the MTOR protein (p.Tyr673Cys). This variant is present in population databases (no rsID available, gnomAD 0.0009%). This variant has not been reported in the literature in individuals affected with MTOR-related conditions. Advanced modeling of protein sequence and biophysical properties (such as structural, functional, and spatial information, amino acid conservation, physicochemical variation, residue mobility, and thermodynamic stability) performed at Invitae indicates that this missense variant is not expected to disrupt MTOR protein function with a negative predictive value of 95%. In summary, the available evidence is currently insufficient to determine the role of this variant in disease. Therefore, it has been classified as a Variant of Uncertain Significance.